The following is an entry in ClinVar:

NM_033305.3(VPS13A):c.8375C>G (p.Ser2792Ter)

Gene: VPS13A (vacuolar protein sorting 13 homolog A; plus strand). Cytogenetic location: 9q21.2.
Variant type: single nucleotide variant.
Coding change: c.8375C>G on transcript NM_033305.3 (MANE Select); coding-DNA position 8375, C replaced by G.
Protein change: p.Ser2792Ter; replaces serine 2792 with a stop codon.
Molecular consequence: nonsense.
Genome position (GRCh38, 1-based): chr9:77,366,776, C>G. VCF-style: chr9-77366776-C-G. GRCh37 (hg19) VCF-style: chr9-79981692-C-G.
Other names: c.8258C>G, p.Ser2753Ter (NM_001018037.2); c.8375C>G, p.Ser2792Ter (NM_001018038.3, NM_015186.4); short protein forms S2753*, S2792*.
Identifiers: ClinVar variation 1069304 (VCV001069304.8), dbSNP rs756865623, ClinGen allele CA373863771.

ClinVar aggregate classification (germline): Pathogenic/Likely pathogenic. Review status: criteria provided, multiple submitters, no conflicts (2 of 4 stars). 2 submissions from 2 submitters: Pathogenic (1); Likely pathogenic (1). Last evaluated 2022-08-22.

Conditions:
VPS13A-related neurodegenerative disease. Also called: LEVINE-CRITCHLEY SYNDROME; Choreoacanthocytosis; ACANTHOCYTOSIS WITH NEUROLOGIC DISORDER; Chorea-acanthocytosis; Choreaacanthocytosis; VPS13A Disease. Identifiers: Orphanet 2388, MedGen C0393576, MONDO:0008695, OMIM 200150.

Allele frequency attached by ClinVar (database versions not stated): gnomAD exomes below 0.00001.
gnomAD v4.1: 2 of 1,613,106 alleles (0.00012%); highest among the groups gnomAD compares: Non-Finnish European, 0.00017%; no homozygotes.

Submissions (2):

Labcorp Genetics (formerly Invitae), Labcorp
Classification: Pathogenic. Last evaluated: 2022-08-22. Review status: criteria provided, single submitter. Criteria: Invitae Variant Classification Sherloc (09022015). Collection method: clinical testing. Allele origin: germline.
Comment: For these reasons, this variant has been classified as Pathogenic. This sequence change creates a premature translational stop signal (p.Ser2792*) in the VPS13A gene. It is expected to result in an absent or disrupted protein product. Loss-of-function variants in VPS13A are known to be pathogenic (PMID: 12404112, 21598378). This variant is present in population databases (no rsID available, gnomAD 0.0009%). This variant has not been reported in the literature in individuals affected with VPS13A-related conditions. ClinVar contains an entry for this variant (Variation ID: 1069304).

Fulgent Genetics
Classification: Likely pathogenic for VPS13A-related neurodegenerative disease. Last evaluated: 2022-02-23. Review status: criteria provided, single submitter. Criteria: ACMG Guidelines, 2015. Collection method: clinical testing. Allele origin: unknown.

Literature cited by the submitters: PubMed 12404112 (cited by Labcorp Genetics (formerly Invitae), Labcorp); PubMed 21598378 (cited by Labcorp Genetics (formerly Invitae), Labcorp).